The following is an entry in ClinVar:

ClinVar aggregate classification (germline): Uncertain significance (1 of 4 stars; one submission).

Allele frequency attached by ClinVar (database versions not stated): gnomAD 0.00001.
gnomAD v4.1: 1 of 1,613,416 alleles (0.000062%); no homozygotes.

Submission:

Labcorp Genetics (formerly Invitae), Labcorp
Classification: Uncertain significance. Last evaluated: 2022-11-12. Review status: criteria provided, single submitter. Criteria: Invitae Variant Classification Sherloc (09022015). Collection method: clinical testing. Allele origin: germline.
Comment: In summary, the available evidence is currently insufficient to determine the role of this variant in disease. Therefore, it has been classified as a Variant of Uncertain Significance. Advanced modeling of protein sequence and biophysical properties (such as structural, functional, and spatial information, amino acid conservation, physicochemical variation, residue mobility, and thermodynamic stability) performed at Invitae indicates that this missense variant is not expected to disrupt SMAD2 protein function. This sequence change replaces alanine, which is neutral and non-polar, with valine, which is neutral and non-polar, at codon 272 of the SMAD2 protein (p.Ala272Val). This variant is not present in population databases (gnomAD no frequency). This variant has not been reported in the literature in individuals affected with SMAD2-related conditions.

NM_005901.6(SMAD2):c.815C>T (p.Ala272Val)

Gene: SMAD2 (SMAD family member 2; minus strand). Cytogenetic location: 18q21.1.
Variant type: single nucleotide variant.
Coding change: c.815C>T on transcript NM_005901.6 (MANE Select); coding-DNA position 815, C replaced by T.
Protein change: p.Ala272Val; replaces alanine 272 with valine.
Molecular consequence: missense variant.
Genome position (GRCh38, 1-based): chr18:47,848,657, G>A on the plus strand (C>T on the coding strand, the complement: SMAD2 is on the minus strand). VCF-style: chr18-47848657-G-A. GRCh37 (hg19) VCF-style: chr18-45375028-G-A.
Other names: c.815C>T, p.Ala272Val (NM_001003652.4); c.725C>T, p.Ala242Val (NM_001135937.3); short protein forms A242V, A272V.
Identifiers: ClinVar variation 3012745 (VCV003012745.3), dbSNP rs1914767468, ClinGen allele CA402504642.